The following is an entry in ClinVar:

NM_183381.3(RNF13):c.716T>G (p.Val239Gly)

Gene: RNF13 (ring finger protein 13; plus strand). Cytogenetic location: 3q25.1.
Variant type: single nucleotide variant.
Coding change: c.716T>G on transcript NM_183381.3 (MANE Select); coding-DNA position 716, T replaced by G.
Protein change: p.Val239Gly; replaces valine 239 with glycine.
Molecular consequence: missense variant. On other transcripts: non-coding transcript variant (1).
Genome position (GRCh38, 1-based): chr3:149,960,071, T>G. VCF-style: chr3-149960071-T-G. GRCh37 (hg19) VCF-style: chr3-149677858-T-G.
Other names: c.716T>G, p.Val239Gly (NM_001378285.1, NM_001378286.1, NM_007282.4); c.359T>G, p.Val120Gly (NM_001378287.1, NM_001378288.1, NM_001378289.1 and 2 more transcripts); c.323T>G, p.Val108Gly (NM_001378291.1); short protein forms V108G, V120G, V239G.
Identifiers: ClinVar variation 3660579 (VCV003660579.2).
Genomic context (GRCh38, chr3:149,960,071, plus strand): 5'-TTTGAAAGGTGAAAAAATAGTTCTCTACATATTTTCTGTTTTCAGGAGATGAGTATGATG[T>G]ATGTGCCATTTGTTTGGATGAGTATGAAGATGGAGACAAACTCAGAATCCTTCCCTGTTC-3'
Protein context (NP_899237.1, residues 229-249): HKFKKGDEYD[Val239Gly]CAICLDEYED

ClinVar aggregate classification (germline): Uncertain significance (1 of 4 stars; one submission).

Submission:

Labcorp Genetics (formerly Invitae), Labcorp
Classification: Uncertain significance. Last evaluated: 2024-08-02. Review status: criteria provided, single submitter. Criteria: Invitae Variant Classification Sherloc (09022015). Collection method: clinical testing. Allele origin: germline.
Comment: This sequence change replaces valine, which is neutral and non-polar, with glycine, which is neutral and non-polar, at codon 239 of the RNF13 protein (p.Val239Gly). This variant is not present in population databases (gnomAD no frequency). This variant has not been reported in the literature in individuals affected with RNF13-related conditions. Advanced modeling of protein sequence and biophysical properties (such as structural, functional, and spatial information, amino acid conservation, physicochemical variation, residue mobility, and thermodynamic stability) performed at Invitae indicates that this missense variant is not expected to disrupt RNF13 protein function with a negative predictive value of 80%. In summary, the available evidence is currently insufficient to determine the role of this variant in disease. Therefore, it has been classified as a Variant of Uncertain Significance.